The following is an entry in ClinVar:

ClinVar aggregate classification (germline): Conflicting classifications of pathogenicity. Review status: criteria provided, conflicting classifications (1 of 4 stars). 2 submissions from 2 submitters: Uncertain significance (1); Likely benign (1). Last evaluated 2023-03-23.

Conditions:
Hereditary cancer-predisposing syndrome. Also called: Tumor predisposition; Hereditary Cancer Syndrome; Hereditary neoplastic syndrome; Neoplastic Syndromes, Hereditary. Identifiers: Orphanet 140162, MedGen C0027672, MeSH D009386, MONDO:0015356.

Submissions (2):

University of Washington Department of Laboratory Medicine, University of Washington
Classification: Likely benign for Hereditary cancer-predisposing syndrome. Last evaluated: 2023-03-23. Review status: criteria provided, single submitter. Criteria: Dines et al. (Genet Med. 2020). Collection method: curation. Allele origin: germline.
Comment: Missense variant in a coldspot region where missense variants are very unlikely to be pathogenic (PMID:31911673).

BRCA1 coldspot (exon 11 using historical exon numbering). Reclassification based on statistical prior probability

GeneDx
Classification: Uncertain significance. Last evaluated: 2014-09-24. Review status: criteria provided, single submitter. Criteria: GeneDx Variant Classification (06012015). Collection method: clinical testing. Allele origin: germline. Affected: yes.
Comment: This variant is denoted BRCA1 c.2143A>T at the cDNA level, p.Thr715Ser (T715S) at the protein level, and results in the change of a Threonine to a Serine (ACC>TCC). This variant has not, to our knowledge, been published in the literature as pathogenic or benign. BRCA1 Thr715Ser was not observed in approximately 6,500 individuals of European and African American ancestry in the NHLBI Exome Sequencing Project, indicating it is not a common benign variant in these populations. Since Threonine and Serine share similar properties, this is considered a conservative amino acid substitution. BRCA1 Thr715Ser occurs at a position that is variable through mammals, where Serine is seen naturally in 17 species, and is located in DNA binding region (Narod and Foulkes 2004). In silico analyses predict that this variant is unlikely to alter protein structure or function. Based on currently available information, it is unclear whether BRCA1 Thr715Ser is pathogenic or benign. We consider it to be a variant of uncertain significance.

NM_007294.4(BRCA1):c.2143A>T (p.Thr715Ser)

Gene: BRCA1 (BRCA1 DNA repair associated; minus strand). Cytogenetic location: 17q21.31.
Variant type: single nucleotide variant.
Coding change: c.2143A>T on transcript NM_007294.4 (MANE Select); coding-DNA position 2143, A replaced by T.
Protein change: p.Thr715Ser; replaces threonine 715 with serine.
Molecular consequence: missense variant. On other transcripts: intron variant (137).
Genome position (GRCh38, 1-based): chr17:43,093,388, T>A on the plus strand (A>T on the coding strand, the complement: BRCA1 is on the minus strand). VCF-style: chr17-43093388-T-A. GRCh37 (hg19) VCF-style: chr17-41245405-T-A.
Other names: p.T715S:ACC>TCC; c.2017A>T, p.Thr673Ser (NM_001407690.1, NM_001407691.1, NM_001407649.1 and 11 more transcripts); c.2143A>T, p.Thr715Ser (NM_001407594.1, NM_001407596.1, NM_001407598.1 and 30 more transcripts); c.1810A>T, p.Thr604Ser (NM_001407957.1, NM_001407946.1, NM_001407947.1 and 6 more transcripts); c.1762A>T, p.Thr588Ser (NM_001407960.1, NM_001407963.1, NM_001407959.1); c.1759A>T, p.Thr587Ser (NM_001407962.1); c.2002A>T, p.Thr668Ser (NM_001407692.1, NM_001407695.1, NM_001407696.1 and 29 more transcripts); c.1807A>T, p.Thr603Ser (NM_001407958.1, NM_001407954.1, NM_001407955.1 and 1 more transcripts); and 42 more; short protein forms T715S, T668S, T547S, T604S, T644S, T647S, T667S, T587S.
Identifiers: ClinVar variation 182141 (VCV000182141.5), dbSNP rs730881477, ClinGen allele CA001439.
Genomic context (GRCh38, chr17:43,093,388, plus strand): 5'-GTTTCTCTTCTTTTTCTTCTCTTGGAAGGCTAGGATTGACAAATTCTTTAAGTTCACTGG[T>A]ATTTGAACACTTAGTAAAAGAACCAGGTGCATTTGTTAACTTCAGCTCTGGGAAAGTATC-3'
Protein context (NP_009225.1, residues 705-725): APGSFTKCSN[Thr715Ser]SELKEFVNPS